The following is an entry in ClinVar:

NM_177438.3(DICER1):c.3077G>A (p.Ser1026Asn)

Gene: DICER1 (dicer 1, ribonuclease III; minus strand). Cytogenetic location: 14q32.13.
Variant type: single nucleotide variant.
Coding change: c.3077G>A on transcript NM_177438.3 (MANE Select); coding-DNA position 3077, G replaced by A.
Protein change: p.Ser1026Asn; replaces serine 1026 with asparagine.
Molecular consequence: missense variant.
Genome position (GRCh38, 1-based): chr14:95,105,694, C>T on the plus strand (G>A on the coding strand, the complement: DICER1 is on the minus strand). VCF-style: chr14-95105694-C-T. GRCh37 (hg19) VCF-style: chr14-95572031-C-T.
Other names: c.3077G>A, p.Ser1026Asn (NM_001195573.1, NM_001271282.3, NM_001291628.2 and 1 more transcripts); short protein forms S1026N.
Identifiers: ClinVar variation 859237 (VCV000859237.13), dbSNP rs1891354481, ClinGen allele CA390877989.

ClinVar aggregate classification (germline): Uncertain significance. Review status: criteria provided, multiple submitters, no conflicts (2 of 4 stars). 2 submissions from 2 submitters: Uncertain significance (2). Last evaluated 2020-03-23.

Conditions:
DICER1-related tumor predisposition. Also called: DICER1 syndrome; DICER1-related pleuropulmonary blastoma cancer predisposition syndrome. Identifiers: Orphanet 284343, MedGen C3839822, MONDO:0100216.
Hereditary cancer-predisposing syndrome. Also called: Hereditary neoplastic syndrome; Tumor predisposition; Neoplastic Syndromes, Hereditary; Hereditary Cancer Syndrome. Identifiers: Orphanet 140162, MedGen C0027672, MeSH D009386, MONDO:0015356.

Submissions (2):

Ambry Genetics
Classification: Uncertain significance for Hereditary cancer-predisposing syndrome. Last evaluated: 2020-03-23. Review status: criteria provided, single submitter. Criteria: Ambry Variant Classification Scheme 2023. Collection method: clinical testing. Allele origin: germline.
Comment: The p.S1026N variant (also known as c.3077G>A), located in coding exon 18 of the DICER1 gene, results from a G to A substitution at nucleotide position 3077. The serine at codon 1026 is replaced by asparagine, an amino acid with highly similar properties. This amino acid position is highly conserved in available vertebrate species. In addition, this alteration is predicted to be tolerated by in silico analysis. Since supporting evidence is limited at this time, the clinical significance of this alteration remains unclear.

Labcorp Genetics (formerly Invitae), Labcorp
Classification: Uncertain significance for DICER1-related tumor predisposition. Last evaluated: 2019-11-19. Review status: criteria provided, single submitter. Criteria: Invitae Variant Classification Sherloc (09022015). Collection method: clinical testing. Allele origin: germline.
Comment: Algorithms developed to predict the effect of missense changes on protein structure and function are either unavailable or do not agree on the potential impact of this missense change (SIFT: "Tolerated"; PolyPhen-2: "Probably Damaging"; Align-GVGD: "Class C0"). In summary, the available evidence is currently insufficient to determine the role of this variant in disease. Therefore, it has been classified as a Variant of Uncertain Significance. This sequence change replaces serine with asparagine at codon 1026 of the DICER1 protein (p.Ser1026Asn). The serine residue is highly conserved and there is a small physicochemical difference between serine and asparagine. This variant is not present in population databases (ExAC no frequency). This variant has not been reported in the literature in individuals with DICER1-related conditions.